The following is an entry in ClinVar:

NM_012473.4(TXN2):c.165G>C (p.Thr55=)

Gene: TXN2 (thioredoxin 2; minus strand). Cytogenetic location: 22q12.3.
Variant type: single nucleotide variant.
Coding change: c.165G>C on transcript NM_012473.4 (MANE Select); coding-DNA position 165, G replaced by C.
Protein change: p.Thr55=; no amino-acid change (threonine 55 retained).
Molecular consequence: synonymous variant.
Genome position (GRCh38, 1-based): chr22:36,480,673, C>G on the plus strand (G>C on the coding strand, the complement: TXN2 is on the minus strand). VCF-style: chr22-36480673-C-G. GRCh37 (hg19) VCF-style: chr22-36876720-C-G.
Other names: c.165G>C (NM_012473.3).
Identifiers: ClinVar variation 2903909 (VCV002903909.5), dbSNP rs61730811, ClinGen allele CA10210883.

ClinVar aggregate classification (germline): Likely benign. Review status: criteria provided, single submitter (1 of 4 stars). 2 submissions from 2 submitters: Likely benign (1). 1 of the submissions does not count toward it. Last evaluated 2025-10-27.

Conditions:
TXN2-related disorder. Also called: TXN2-related condition.

Allele frequency attached by ClinVar (database versions not stated): ExAC 0.00006; ESP Exome Variant Server 0.00038; gnomAD 0.00012.

Submissions (2):

Labcorp Genetics (formerly Invitae), Labcorp
Classification: Likely benign. Last evaluated: 2025-10-27. Review status: criteria provided, single submitter. Criteria: Invitae Variant Classification Sherloc (09022015). Collection method: clinical testing. Allele origin: germline.

PreventionGenetics, part of Exact Sciences
Classification: Likely benign for TXN2-related condition. Last evaluated: 2019-07-12. Review status: no assertion criteria provided. Collection method: clinical testing. Allele origin: germline. Not counted in ClinVar's aggregate classification.
Comment: This variant is classified as likely benign based on ACMG/AMP sequence variant interpretation guidelines (Richards et al. 2015 PMID: 25741868, with internal and published modifications).